The following is an entry in ClinVar:

NM_003803.4(MYOM1):c.1042G>T (p.Ala348Ser)

Gene: MYOM1 (myomesin 1; minus strand). Cytogenetic location: 18p11.31.
Variant type: single nucleotide variant.
Coding change: c.1042G>T on transcript NM_003803.4 (MANE Select); coding-DNA position 1042, G replaced by T.
Protein change: p.Ala348Ser; replaces alanine 348 with serine.
Molecular consequence: missense variant.
Genome position (GRCh38, 1-based): chr18:3,174,189, C>A on the plus strand (G>T on the coding strand, the complement: MYOM1 is on the minus strand). VCF-style: chr18-3174189-C-A. GRCh37 (hg19) VCF-style: chr18-3174187-C-A.
Other names: c.1042G>T, p.Ala348Ser (NM_019856.2); short protein forms A348S.
Identifiers: ClinVar variation 3223543 (VCV003223543.1), dbSNP rs547286218, ClinGen allele CA295509547.

ClinVar aggregate classification (germline): Uncertain significance (1 of 4 stars; one submission).

Allele frequency attached by ClinVar (database versions not stated): gnomAD 0.00001.
gnomAD v4.1: 2 of 1,613,522 alleles (0.00012%); highest among the groups gnomAD compares: Non-Finnish European, 0.00017%; no homozygotes.

Submission:

Ambry Genetics
Classification: Uncertain significance. Last evaluated: 2023-10-12. Review status: criteria provided, single submitter. Criteria: Ambry Variant Classification Scheme 2023. Collection method: clinical testing. Allele origin: germline.
Comment: The p.A348S variant (also known as c.1042G>T), located in coding exon 6 of the MYOM1 gene, results from a G to T substitution at nucleotide position 1042. The alanine at codon 348 is replaced by serine, an amino acid with similar properties. This amino acid position is conserved. In addition, the in silico prediction for this alteration is inconclusive. Since supporting evidence is limited at this time, the clinical significance of this alteration remains unclear.